The following is an entry in ClinVar:

ClinVar aggregate classification (germline): Likely benign. Review status: criteria provided, multiple submitters, no conflicts (2 of 4 stars). 2 submissions from 2 submitters: Likely benign (2). Last evaluated 2025-10-01.

Allele frequency attached by ClinVar (database versions not stated): ExAC 0.00001; gnomAD exomes 0.00001; gnomAD 0.00002; TOPMed 0.00002.
gnomAD v4.1: 27 of 1,613,540 alleles (0.0017%); highest among the groups gnomAD compares: South Asian, 0.0033%; no homozygotes.

Submissions (2):

CeGaT Center for Human Genetics Tuebingen
Classification: Likely benign. Last evaluated: 2025-10-01. Review status: criteria provided, single submitter. Criteria: CeGaT Center For Human Genetics Tuebingen Variant Classification Criteria Version 2. Collection method: clinical testing. Allele origin: germline. Affected: yes. Observed: 1 variant allele.
Comment: TBCE: BP4, BP7

Labcorp Genetics (formerly Invitae), Labcorp
Classification: Likely benign. Last evaluated: 2024-02-02. Review status: criteria provided, single submitter. Criteria: Invitae Variant Classification Sherloc (09022015). Collection method: clinical testing. Allele origin: germline.

NM_003193.5(TBCE):c.606G>A (p.Thr202=)

Gene: TBCE (tubulin folding cofactor E; plus strand). Cytogenetic location: 1q42.3.
Variant type: single nucleotide variant.
Coding change: c.606G>A on transcript NM_003193.5 (MANE Select); coding-DNA position 606, G replaced by A.
Protein change: p.Thr202=; no amino-acid change (threonine 202 retained).
Molecular consequence: synonymous variant.
Genome position (GRCh38, 1-based): chr1:235,430,750, G>A. VCF-style: chr1-235430750-G-A. GRCh37 (hg19) VCF-style: chr1-235594065-G-A.
Other names: c.606G>A, p.Thr202= (NM_001079515.3, NM_001287801.2); c.267G>A, p.Thr89= (NM_001287802.2).
Identifiers: ClinVar variation 739564 (VCV000739564.13), dbSNP rs781690260, ClinGen allele CA1464092.